The following is an entry in ClinVar:

ClinVar aggregate classification (germline): Uncertain significance. Review status: criteria provided, multiple submitters, no conflicts (2 of 4 stars). 2 submissions from 2 submitters: Uncertain significance (2). Last evaluated 2025-06-19.

gnomAD v4.1: 2 of 1,612,882 alleles (0.00012%); highest among the groups gnomAD compares: South Asian, 0.0011%; no homozygotes.

Submissions (2):

Women's Health and Genetics/Laboratory Corporation of America, LabCorp
Classification: Uncertain significance. Last evaluated: 2025-06-19. Review status: criteria provided, single submitter. Criteria: LabCorp Variant Classification Summary - May 2015. Collection method: clinical testing. Allele origin: germline.
Comment: Variant summary: ATRIP c.2281G>A (p.Gly761Arg) results in a non-conservative amino acid change in the encoded protein sequence. Algorithms developed to predict the effect of missense changes on protein structure and function are either unavailable or do not agree on the potential impact of this missense change. The variant was absent in 245568 control chromosomes. The available data on variant occurrences in the general population are insufficient to allow any conclusion about variant significance. To our knowledge, no occurrence of c.2281G>A in individuals affected with ATRIP-Related Disorders and no experimental evidence demonstrating its impact on protein function have been reported. ClinVar contains an entry for this variant (Variation ID: 3808924). Based on the evidence outlined above, the variant was classified as uncertain significance.

Ambry Genetics
Classification: Uncertain significance. Last evaluated: 2024-12-13. Review status: criteria provided, single submitter. Criteria: Ambry Variant Classification Scheme 2023. Collection method: clinical testing. Allele origin: germline.
Comment: The p.G761R variant (also known as c.2281G>A), located in coding exon 12 of the ATRIP gene, results from a G to A substitution at nucleotide position 2281. The glycine at codon 761 is replaced by arginine, an amino acid with dissimilar properties. This amino acid position is conserved. In addition, this alteration is predicted to be tolerated by in silico analysis. Based on the available evidence, the clinical significance of this variant remains unclear.

NM_130384.3(ATRIP):c.2281G>A (p.Gly761Arg)

Genes: ATRIP (ATR interacting protein; plus strand), ATRIP-TREX1 (ATRIP-TREX1 readthrough; plus strand). Cytogenetic location: 3p21.31.
Variant type: single nucleotide variant.
Coding change: c.2281G>A on transcript NM_130384.3 (MANE Select); coding-DNA position 2281, G replaced by A.
Protein change: p.Gly761Arg; replaces glycine 761 with arginine.
Molecular consequence: missense variant. On other transcripts: non-coding transcript variant (1).
Genome position (GRCh38, 1-based): chr3:48,465,056, G>A. VCF-style: chr3-48465056-G-A. GRCh37 (hg19) VCF-style: chr3-48506455-G-A.
Other names: c.1900G>A, p.Gly634Arg (NM_001271022.2); c.2002G>A, p.Gly668Arg (NM_001271023.2); c.2200G>A, p.Gly734Arg (NM_032166.4); short protein forms G634R, G761R, G734R, G668R.
Identifiers: ClinVar variation 3808924 (VCV003808924.1).